The following is an entry in ClinVar:

NM_025144.4(ALPK1):c.2776T>C (p.Ser926Pro)

Gene: ALPK1 (alpha kinase 1; plus strand). Cytogenetic location: 4q25.
Variant type: single nucleotide variant.
Coding change: c.2776T>C on transcript NM_025144.4 (MANE Select); coding-DNA position 2776, T replaced by C.
Protein change: p.Ser926Pro; replaces serine 926 with proline.
Molecular consequence: missense variant.
Genome position (GRCh38, 1-based): chr4:112,432,323, T>C. VCF-style: chr4-112432323-T-C. GRCh37 (hg19) VCF-style: chr4-113353479-T-C.
Other names: c.2776T>C, p.Ser926Pro (NM_001102406.2); c.2542T>C, p.Ser848Pro (NM_001253884.2); short protein forms S848P, S926P.
Identifiers: ClinVar variation 3667286 (VCV003667286.2).

ClinVar aggregate classification (germline): Uncertain significance (1 of 4 stars; one submission).

Submission:

Labcorp Genetics (formerly Invitae), Labcorp
Classification: Uncertain significance. Last evaluated: 2024-11-27. Review status: criteria provided, single submitter. Criteria: Invitae Variant Classification Sherloc (09022015). Collection method: clinical testing. Allele origin: germline.
Comment: This sequence change replaces serine, which is neutral and polar, with proline, which is neutral and non-polar, at codon 926 of the ALPK1 protein (p.Ser926Pro). This variant is not present in population databases (gnomAD no frequency). This variant has not been reported in the literature in individuals affected with ALPK1-related conditions. Invitae Evidence Modeling of protein sequence and biophysical properties (such as structural, functional, and spatial information, amino acid conservation, physicochemical variation, residue mobility, and thermodynamic stability) has been performed for this missense variant. However, the output from this modeling did not meet the statistical confidence thresholds required to predict the impact of this variant on ALPK1 protein function. In summary, the available evidence is currently insufficient to determine the role of this variant in disease. Therefore, it has been classified as a Variant of Uncertain Significance.